The following is an entry in ClinVar:

NM_001042681.2(RERE):c.2371C>T (p.Pro791Ser)

Gene: RERE (arginine-glutamic acid dipeptide repeats; minus strand). Cytogenetic location: 1p36.23.
Variant type: single nucleotide variant.
Coding change: c.2371C>T on transcript NM_001042681.2 (MANE Select); coding-DNA position 2371, C replaced by T.
Protein change: p.Pro791Ser; replaces proline 791 with serine.
Molecular consequence: missense variant.
Genome position (GRCh38, 1-based): chr1:8,361,136, G>A on the plus strand (C>T on the coding strand, the complement: RERE is on the minus strand). VCF-style: chr1-8361136-G-A. GRCh37 (hg19) VCF-style: chr1-8421196-G-A.
Other names: c.709C>T, p.Pro237Ser (NM_001042682.2); c.2371C>T, p.Pro791Ser (NM_012102.4); c.2371C>T (NM_012102.3); short protein forms P237S, P791S.
Identifiers: ClinVar variation 2578561 (VCV002578561.29), dbSNP rs548604958, ClinGen allele CA571373.

ClinVar aggregate classification (germline): Benign/Likely benign. Review status: criteria provided, multiple submitters, no conflicts (2 of 4 stars). 4 submissions from 4 submitters: Benign (1); Likely benign (3). Last evaluated 2024-09-10.

Conditions:
Inborn genetic diseases. Identifiers: MedGen C0950123, MeSH D030342.
Neurodevelopmental disorder with or without anomalies of the brain, eye, or heart (NEDBEH). Identifiers: Orphanet 494344, MedGen C5567477, MONDO:0014857, OMIM 616975.

Allele frequency attached by ClinVar (database versions not stated): gnomAD exomes 0.00009; gnomAD 0.00011; TOPMed 0.00024; 1000 Genomes Project 0.00080; 1000 Genomes Project 30x 0.00094.
gnomAD v4.1: 147 of 1,446,286 alleles (0.01%); highest among the groups gnomAD compares: Middle Eastern, 0.12%; no homozygotes.

Submissions (4):

Ambry Genetics
Classification: Likely benign for Inborn genetic diseases. Last evaluated: 2024-09-10. Review status: criteria provided, single submitter. Criteria: Ambry Variant Classification Scheme 2023. Collection method: clinical testing. Allele origin: germline.

CeGaT Center for Human Genetics Tuebingen
Classification: Likely benign. Last evaluated: 2023-07-01. Review status: criteria provided, single submitter. Criteria: CeGaT Center For Human Genetics Tuebingen Variant Classification Criteria Version 2. Collection method: clinical testing. Allele origin: germline. Affected: yes. Observed: 1 variant allele.
Comment: RERE: BP4, BS2

Labcorp Genetics (formerly Invitae), Labcorp
Classification: Benign. Last evaluated: 2023-06-15. Review status: criteria provided, single submitter. Criteria: Invitae Variant Classification Sherloc (09022015). Collection method: clinical testing. Allele origin: germline.

Department of Pathology and Laboratory Medicine, Sinai Health System
Classification: Likely benign for Neurodevelopmental disorder with or without anomalies of the brain, eye, or heart. Last evaluated: 2022-08-08. Review status: criteria provided, single submitter. Criteria: ACMG Guidelines, 2015. Collection method: research. Allele origin: germline.